The following is an entry in ClinVar:

NM_004958.4(MTOR):c.1566C>T (p.Tyr522=)

Gene: MTOR (mechanistic target of rapamycin kinase; minus strand). Cytogenetic location: 1p36.22.
Variant type: single nucleotide variant.
Coding change: c.1566C>T on transcript NM_004958.4 (MANE Select); coding-DNA position 1566, C replaced by T.
Protein change: p.Tyr522=; no amino-acid change (tyrosine 522 retained).
Molecular consequence: synonymous variant.
Genome position (GRCh38, 1-based): chr1:11,240,523, G>A on the plus strand (C>T on the coding strand, the complement: MTOR is on the minus strand). VCF-style: chr1-11240523-G-A. GRCh37 (hg19) VCF-style: chr1-11300580-G-A.
Identifiers: ClinVar variation 696117 (VCV000696117.17), dbSNP rs369221365, ClinGen allele CA590679.

ClinVar aggregate classification (germline): Benign/Likely benign. Review status: criteria provided, multiple submitters, no conflicts (2 of 4 stars). 6 submissions from 6 submitters: Benign (1); Likely benign (2). 3 of the submissions do not count toward it. Last evaluated 2025-12-04.

Conditions:
MTOR-related disorder. Also called: MTOR-related condition.

Allele frequency attached by ClinVar (database versions not stated): gnomAD 0.00007 and 0.00010; TOPMed 0.00009; ESP Exome Variant Server 0.00015; gnomAD exomes 0.00017 and 0.00019; ExAC 0.00024; 1000 Genomes Project 30x 0.00062; 1000 Genomes Project 0.00080.
gnomAD v4.1: 295 of 1,614,158 alleles (0.018%); highest among the groups gnomAD compares: South Asian, 0.064%; no homozygotes.

Submissions (6):

Women's Health and Genetics/Laboratory Corporation of America, LabCorp
Classification: Likely benign. Last evaluated: 2025-12-04. Review status: criteria provided, single submitter. Criteria: LabCorp Variant Classification Summary - May 2015. Collection method: clinical testing. Allele origin: germline.

Labcorp Genetics (formerly Invitae), Labcorp
Classification: Benign. Last evaluated: 2025-11-23. Review status: criteria provided, single submitter. Criteria: Invitae Variant Classification Sherloc (09022015). Collection method: clinical testing. Allele origin: germline.

Blueprint Genetics
Classification: Likely benign. Last evaluated: 2024-11-19. Review status: criteria provided, single submitter. Criteria: ACMG Guidelines, 2015. Collection method: clinical testing. Allele origin: germline.

PreventionGenetics, part of Exact Sciences
Classification: Likely benign for MTOR-related condition. Last evaluated: 2019-10-11. Review status: no assertion criteria provided. Collection method: clinical testing. Allele origin: germline. Not counted in ClinVar's aggregate classification.
Comment: This variant is classified as likely benign based on ACMG/AMP sequence variant interpretation guidelines (Richards et al. 2015 PMID: 25741868, with internal and published modifications).

Clinical Genetics DNA and cytogenetics Diagnostics Lab, Erasmus MC, Erasmus Medical Center
Classification: Likely benign. Review status: no assertion criteria provided. Collection method: clinical testing. Allele origin: germline. Affected: yes. Study: VKGL Data-share Consensus. Not counted in ClinVar's aggregate classification.

Genome Diagnostics Laboratory, University Medical Center Utrecht
Classification: Likely benign. Review status: no assertion criteria provided. Collection method: clinical testing. Allele origin: germline. Affected: yes. Study: VKGL Data-share Consensus. Not counted in ClinVar's aggregate classification.